The following is an entry in ClinVar:

ClinVar aggregate classification (germline): Benign. Review status: reviewed by expert panel (3 of 4 stars). 3 submissions from 3 submitters: Benign (1). 2 of the submissions do not count toward it. Last evaluated 2015-01-12.

Conditions:
Breast-ovarian cancer, familial, susceptibility to, 2 (BROVCA2). Also called: BRCA2 Hereditary Breast and Ovarian Cancer. Identifiers: Orphanet 145, MedGen C2675520, MONDO:0012933, OMIM 612555. Disease mechanism: loss of function.

Allele frequency attached by ClinVar (database versions not stated): 1000 Genomes Project 30x 0.25640; 1000 Genomes Project 0.26318; TOPMed 0.27199.
gnomAD v4.1: 42,106 of 151,886 alleles (28%); highest among the groups gnomAD compares: East Asian, 40%; 6,022 homozygotes.

Submissions (3):

Evidence-based Network for the Interpretation of Germline Mutant Alleles (ENIGMA)
Classification: Benign for Breast-ovarian cancer, familial 2. Last evaluated: 2015-01-12. Review status: reviewed by expert panel. Criteria: ENIGMA BRCA1/2 Classification Criteria (2015). Collection method: curation. Allele origin: germline.
Comment: Class 1 not pathogenic based on frequency >1% in an outbred sampleset. Frequency 0.3864 (Asian), 0.1646 (African), 0.2718 (European), derived from 1000 genomes (2012-04-30).

GeneDx
Classification: Benign. Last evaluated: 2018-06-23. Review status: criteria provided, single submitter. Criteria: GeneDx Variant Classification Process June 2021. Collection method: clinical testing. Allele origin: germline. Affected: yes. Not counted in ClinVar's aggregate classification.

Breakthrough Genomics
Classification: Benign. Review status: criteria provided, single submitter. Criteria: ACMG Guidelines, 2015. Collection method: not provided. Allele origin: germline. Inheritance: Autosomal recessive inheritance. Affected: yes. Not counted in ClinVar's aggregate classification.

NM_000059.4(BRCA2):c.425+246G>C

Gene: BRCA2 (BRCA2 DNA repair associated; plus strand). Cytogenetic location: 13q13.1.
Variant type: single nucleotide variant.
Coding change: c.425+246G>C on transcript NM_000059.4 (MANE Select); 246 bases into the intron after coding-DNA position 425, G replaced by C.
Molecular consequence: intron variant.
Genome position (GRCh38, 1-based): chr13:32,325,430, G>C. VCF-style: chr13-32325430-G-C. GRCh37 (hg19) VCF-style: chr13-32899567-G-C.
Other names: IVS 4+246G>C.
Identifiers: ClinVar variation 209644 (VCV000209644.4), dbSNP rs11571613, ClinGen allele CA276613.